The following is an entry in ClinVar:

ClinVar aggregate classification (germline): Uncertain significance (1 of 4 stars; one submission).

Conditions:
Werner syndrome (WRN). Identifiers: Orphanet 902, MedGen C0043119, MONDO:0010196, OMIM 277700.

Submission:

Labcorp Genetics (formerly Invitae), Labcorp
Classification: Uncertain significance for Werner syndrome. Last evaluated: 2024-06-10. Review status: criteria provided, single submitter. Criteria: Invitae Variant Classification Sherloc (09022015). Collection method: clinical testing. Allele origin: germline.
Comment: This sequence change replaces isoleucine, which is neutral and non-polar, with threonine, which is neutral and polar, at codon 714 of the WRN protein (p.Ile714Thr). This variant is not present in population databases (gnomAD no frequency). This variant has not been reported in the literature in individuals affected with WRN-related conditions. An algorithm developed to predict the effect of missense changes on protein structure and function (PolyPhen-2) suggests that this variant is likely to be disruptive. In summary, the available evidence is currently insufficient to determine the role of this variant in disease. Therefore, it has been classified as a Variant of Uncertain Significance.

NM_000553.6(WRN):c.2141T>C (p.Ile714Thr)

Gene: WRN (WRN RecQ like helicase; plus strand). Cytogenetic location: 8p12.
Variant type: single nucleotide variant.
Coding change: c.2141T>C on transcript NM_000553.6 (MANE Select); coding-DNA position 2141, T replaced by C.
Protein change: p.Ile714Thr; replaces isoleucine 714 with threonine.
Molecular consequence: missense variant.
Genome position (GRCh38, 1-based): chr8:31,111,667, T>C. VCF-style: chr8-31111667-T-C. GRCh37 (hg19) VCF-style: chr8-30969183-T-C.
Other names: short protein forms I714T.
Identifiers: ClinVar variation 3708045 (VCV003708045.2).